The following is an entry in ClinVar:

ClinVar aggregate classification (germline): Uncertain significance (0 of 4 stars; one submission).

Conditions:
SH2B1-related disorder. Also called: SH2B1-related condition.

gnomAD v4.1: 5 of 1,613,362 alleles (0.00031%); highest among the groups gnomAD compares: Non-Finnish European, 0.00042%; no homozygotes.

Submission:

PreventionGenetics, part of Exact Sciences
Classification: Uncertain significance for SH2B1-related condition. Last evaluated: 2024-02-05. Review status: no assertion criteria provided. Collection method: clinical testing. Allele origin: germline.
Comment: The SH2B1 c.1531G>A variant is predicted to result in the amino acid substitution p.Gly511Arg. To our knowledge, this variant has not been reported in the literature. This variant is reported in 0.0027% of alleles in individuals of European (Non-Finnish) descent in gnomAD. At this time, the clinical significance of this variant is uncertain due to the absence of conclusive functional and genetic evidence.

NM_001387430.1(SH2B1):c.1531G>A (p.Gly511Arg)

Gene: SH2B1 (SH2B adaptor protein 1; plus strand). Cytogenetic location: 16p11.2.
Variant type: single nucleotide variant.
Coding change: c.1531G>A on transcript NM_001387430.1 (MANE Select); coding-DNA position 1531, G replaced by A.
Protein change: p.Gly511Arg; replaces glycine 511 with arginine.
Molecular consequence: missense variant.
Genome position (GRCh38, 1-based): chr16:28,872,207, G>A. VCF-style: chr16-28872207-G-A. GRCh37 (hg19) VCF-style: chr16-28883528-G-A.
Other names: c.1531G>A, p.Gly511Arg (NM_001145795.2, NM_001145796.2, NM_001145797.2 and 4 more transcripts); c.523G>A, p.Gly175Arg (NM_001308294.2); short protein forms G175R, G511R.
Identifiers: ClinVar variation 3347982 (VCV003347982.1).